The following is an entry in ClinVar:

ClinVar aggregate classification (germline): Likely pathogenic (1 of 4 stars; one submission).

Conditions:
Autosomal dominant nonsyndromic hearing loss 2A. Also called: Autosomal dominant nonsyndromic deafness 2A; DFNA2 Nonsyndromic Hearing Loss; Deafness, autosomal dominant 2A. Identifiers: Orphanet 90635, MedGen C2677637, MONDO:0010817, OMIM 600101.

Submission:

Variantyx, Inc.
Classification: Likely pathogenic for Autosomal dominant nonsyndromic hearing loss 2A. Last evaluated: 2025-04-23. Review status: criteria provided, single submitter. Criteria: Variantyx Assertion Criteria 2022. Collection method: clinical testing. Allele origin: germline. Inheritance: Autosomal dominant inheritance. Affected: yes.
Comment: This is a frameshift variant in the KCNQ4 gene (OMIM: 603537). Pathogenic variants in this gene have been associated with autosomal dominant deafness 2A. This variant introduces a premature termination codon in exon 1 out of 14 and is expected to result in loss of function, which is a known disease mechanism for KCNQ4 in this disorder (PMID: 30413759, 30556268, 34316018) (PVS1). This variant is absent from control populations (PM2_Supporting) and it has not been reported in individuals with KCNQ4-related disorders in the databases available for review. Based on the current evidence, this variant is classified as likely pathogenic for autosomal dominant deafness 2A.

Literature cited by the submitters: PubMed 30413759; PubMed 30556268; PubMed 34316018.

NM_004700.4(KCNQ4):c.226_247del (p.Ala76fs)

Gene: KCNQ4 (potassium voltage-gated channel subfamily Q member 4; plus strand). Cytogenetic location: 1p34.2.
Variant type: Deletion.
Coding change: c.226_247del on transcript NM_004700.4 (MANE Select); coding-DNA positions 226 to 247, 22 bases deleted (GCGCACAAGCGCTACCGCCGCC).
Protein change: p.Ala76fs; shifts the reading frame from alanine 76.
Molecular consequence: frameshift variant.
Genome position (GRCh38, 1-based): chr1:40,784,319-40,784,340, GCGCACAAGCGCTACCGCCGCC deleted; deleting any 22 consecutive bases within chr1:40,784,316-40,784,340 gives the same sequence; the c. name uses the placement nearest the transcript's 3' end. VCF-style (leftmost placement, unchanged base first): chr1-40784315-GGCCGCGCACAAGCGCTACCGCC-G. GRCh37 (hg19) VCF-style: chr1-41249987-GGCCGCGCACAAGCGCTACCGCC-G.
Other names: c.226_247del, p.Ala76fs (NM_172163.3); short protein forms A76fs.
Identifiers: ClinVar variation 4850195 (VCV004850195.1).